The following is an entry in ClinVar:

ClinVar aggregate classification (germline): Benign (1 of 4 stars; one submission).

Conditions:
Tuberous sclerosis 2 (TSC2). Identifiers: Orphanet 805, MedGen C1860707, MONDO:0013199, OMIM 613254.

Submission:

Myriad Genetics, Inc.
Classification: Benign for Tuberous sclerosis 2. Last evaluated: 2025-05-16. Review status: criteria provided, single submitter. Criteria: Myriad Autosomal Dominant, Autosomal Recessive and X-Linked Classification Criteria (2023). Collection method: clinical testing. Allele origin: unknown.
Comment: This variant is considered benign. This variant is a silent/synonymous amino acid change and it is not expected to impact splicing.

NM_000548.5(TSC2):c.1986C>A (p.Pro662=)

Gene: TSC2 (TSC complex subunit 2; plus strand). Cytogenetic location: 16p13.3.
Variant type: single nucleotide variant.
Coding change: c.1986C>A on transcript NM_000548.5 (MANE Select); coding-DNA position 1986, C replaced by A.
Protein change: p.Pro662=; no amino-acid change (proline 662 retained).
Molecular consequence: synonymous variant. On other transcripts: non-coding transcript variant (5).
Genome position (GRCh38, 1-based): chr16:2,071,823, C>A. VCF-style: chr16-2071823-C-A. GRCh37 (hg19) VCF-style: chr16-2121824-C-A.
Other names: c.1986C>A, p.Pro662= (NM_001077183.3, NM_001114382.3, NM_001363528.2 and 6 more transcripts); c.1875C>A, p.Pro625= (NM_001318827.2, NM_001406670.1, NM_001406678.1); c.1839C>A, p.Pro613= (NM_001318829.2, NM_001406675.1, NM_001406676.1 and 1 more transcripts); c.1386C>A, p.Pro462= (NM_001318831.2, NM_001406680.1, NM_001406682.1 and 6 more transcripts); c.2019C>A, p.Pro673= (NM_001318832.2); c.2076C>A, p.Pro692= (NM_001406667.1, NM_001406668.1); c.1974C>A, p.Pro658= (NM_001406671.1, NM_001406673.1); c.1929C>A, p.Pro643= (NM_001406677.1); and 3 more.
Identifiers: ClinVar variation 4071339 (VCV004071339.1).